The following is an entry in ClinVar:

NM_002582.4(PARN):c.37C>T (p.His13Tyr)

Gene: PARN (poly(A)-specific ribonuclease; minus strand). Cytogenetic location: 16p13.12.
Variant type: single nucleotide variant.
Coding change: c.37C>T on transcript NM_002582.4 (MANE Select); coding-DNA position 37, C replaced by T.
Protein change: p.His13Tyr; replaces histidine 13 with tyrosine.
Molecular consequence: missense variant. On other transcripts: 5 prime UTR variant (1).
Genome position (GRCh38, 1-based): chr16:14,629,657, G>A on the plus strand (C>T on the coding strand, the complement: PARN is on the minus strand). VCF-style: chr16-14629657-G-A. GRCh37 (hg19) VCF-style: chr16-14723514-G-A.
Other names: c.-147C>T (NM_001134477.3); c.37C>T, p.His13Tyr (NM_001242992.2); short protein forms H13Y.
Identifiers: ClinVar variation 2176054 (VCV002176054.4), dbSNP rs756570032, ClinGen allele CA7912560.
Genomic context (GRCh38, chr16:14,629,657, plus strand): 5'-CTGAAAACTCCCCATCGATGGCGAAGAAGTCGGCCTCCTCTATGGCCTGGTACACTTTGT[G>A]AAGATTACTCTTAAAATCTGCGGAGAAACCGAAAAGAGGCTCAGAACCAGTGGCCTGAAT-3'
Protein context (NP_002573.1, residues 3-23): IIRSNFKSNL[His13Tyr]KVYQAIEEAD

ClinVar aggregate classification (germline): Uncertain significance (1 of 4 stars; one submission).

Conditions:
Dyskeratosis congenita, autosomal recessive 6 (DKCB6). Identifiers: MedGen C4225356, MONDO:0014600, OMIM 616353.
Pulmonary fibrosis and/or bone marrow failure, Telomere-related, 4. Also called: PULMONARY FIBROSIS AND/OR BONE MARROW FAILURE SYNDROME, TELOMERE-RELATED, 4. Identifiers: Orphanet 2032, MedGen C4225347, MONDO:0014612, OMIM 616371.

Allele frequency attached by ClinVar (database versions not stated): ExAC 0.00002; gnomAD exomes below 0.00001.
gnomAD v4.1: 3 of 1,612,848 alleles (0.00019%); highest among the groups gnomAD compares: Admixed American, 0.0017%; no homozygotes.

Submission:

Labcorp Genetics (formerly Invitae), Labcorp
Classification: Uncertain significance for Dyskeratosis congenita, autosomal recessive 6; Pulmonary fibrosis and/or bone marrow failure, Telomere-related, 4. Last evaluated: 2025-12-25. Review status: criteria provided, single submitter. Criteria: Invitae Variant Classification Sherloc (09022015). Collection method: clinical testing. Allele origin: germline.
Comment: This sequence change replaces histidine, which is basic and polar, with tyrosine, which is neutral and polar, at codon 13 of the PARN protein (p.His13Tyr). This variant is present in population databases (rs756570032, gnomAD 0.006%). This variant has not been reported in the literature in individuals affected with PARN-related conditions. ClinVar contains an entry for this variant (Variation ID: 2176054). Invitae Evidence Modeling of protein sequence and biophysical properties (such as structural, functional, and spatial information, amino acid conservation, physicochemical variation, residue mobility, and thermodynamic stability) indicates that this missense variant is not expected to disrupt PARN protein function with a negative predictive value of 80%. In summary, the available evidence is currently insufficient to determine the role of this variant in disease. Therefore, it has been classified as a Variant of Uncertain Significance.